The following is an entry in ClinVar:

NM_001735.3(C5):c.26T>A (p.Phe9Tyr)

Gene: C5 (complement C5; minus strand). Cytogenetic location: 9q33.2.
Variant type: single nucleotide variant.
Coding change: c.26T>A on transcript NM_001735.3 (MANE Select); coding-DNA position 26, T replaced by A.
Protein change: p.Phe9Tyr; replaces phenylalanine 9 with tyrosine.
Molecular consequence: missense variant. On other transcripts: intron variant (1).
Genome position (GRCh38, 1-based): chr9:121,050,221, A>T on the plus strand (T>A on the coding strand, the complement: C5 is on the minus strand). VCF-style: chr9-121050221-A-T. GRCh37 (hg19) VCF-style: chr9-123812499-A-T.
Other names: c.26T>A, p.Phe9Tyr (NM_001317164.2); c.84-3838T>A (NM_001317163.2); short protein forms F9Y.
Identifiers: ClinVar variation 3015758 (VCV003015758.4), dbSNP rs763943419, ClinGen allele CA5218503.

ClinVar aggregate classification (germline): Uncertain significance. Review status: criteria provided, multiple submitters, no conflicts (2 of 4 stars). 2 submissions from 2 submitters: Uncertain significance (2). Last evaluated 2025-05-26.

Allele frequency attached by ClinVar (database versions not stated): gnomAD 0.00001; TOPMed 0.00001; gnomAD exomes 0.00002; ExAC 0.00004.
gnomAD v4.1: 31 of 1,613,878 alleles (0.0019%); highest among the groups gnomAD compares: Non-Finnish European, 0.0019%; no homozygotes.

Submissions (2):

Ambry Genetics
Classification: Uncertain significance. Last evaluated: 2025-05-26. Review status: criteria provided, single submitter. Criteria: Ambry Variant Classification Scheme 2023. Collection method: clinical testing. Allele origin: germline.

Labcorp Genetics (formerly Invitae), Labcorp
Classification: Uncertain significance. Last evaluated: 2024-06-03. Review status: criteria provided, single submitter. Criteria: Invitae Variant Classification Sherloc (09022015). Collection method: clinical testing. Allele origin: germline.
Comment: This sequence change replaces phenylalanine, which is neutral and non-polar, with tyrosine, which is neutral and polar, at codon 9 of the C5 protein (p.Phe9Tyr). This variant is present in population databases (rs763943419, gnomAD 0.02%). This variant has not been reported in the literature in individuals affected with C5-related conditions. Experimental studies and prediction algorithms are not available or were not evaluated, and the functional significance of this variant is currently unknown. In summary, the available evidence is currently insufficient to determine the role of this variant in disease. Therefore, it has been classified as a Variant of Uncertain Significance.